The following is an entry in ClinVar:

ClinVar aggregate classification (germline): Uncertain significance. Review status: criteria provided, multiple submitters, no conflicts (2 of 4 stars). 2 submissions from 2 submitters: Uncertain significance (2). Last evaluated 2024-03-28.

Conditions:
Hereditary cancer-predisposing syndrome. Also called: Tumor predisposition; Hereditary neoplastic syndrome; Neoplastic Syndromes, Hereditary; Hereditary Cancer Syndrome. Identifiers: Orphanet 140162, MedGen C0027672, MeSH D009386, MONDO:0015356.
Retinoblastoma (RB1). Also called: RETINOBLASTOMA, SOMATIC. Identifiers: Orphanet 790, MedGen C0035335, MeSH D012175, MONDO:0008380, OMIM 180200, HP:0009919. Disease mechanism: loss of function. Inheritance: Both sporadic and heritable forms are tested..

Allele frequency attached by ClinVar (database versions not stated): gnomAD exomes below 0.00001.
gnomAD v4.1: 2 of 1,613,814 alleles (0.00012%); highest among the groups gnomAD compares: Non-Finnish European, 0.00017%; no homozygotes.

Submissions (2):

Ambry Genetics
Classification: Uncertain significance for Hereditary cancer-predisposing syndrome. Last evaluated: 2024-03-28. Review status: criteria provided, single submitter. Criteria: Ambry Variant Classification Scheme 2023. Collection method: clinical testing. Allele origin: germline.
Comment: The p.R418K variant (also known as c.1253G>A), located in coding exon 13 of the RB1 gene, results from a G to A substitution at nucleotide position 1253. The arginine at codon 418 is replaced by lysine, an amino acid with highly similar properties. This amino acid position is conserved. In addition, this alteration is predicted to be deleterious by in silico analysis. Since supporting evidence is limited at this time, the clinical significance of this alteration remains unclear.

Labcorp Genetics (formerly Invitae), Labcorp
Classification: Uncertain significance for Retinoblastoma. Last evaluated: 2022-06-17. Review status: criteria provided, single submitter. Criteria: Invitae Variant Classification Sherloc (09022015). Collection method: clinical testing. Allele origin: germline.
Comment: This variant is not present in population databases (gnomAD no frequency). In summary, the available evidence is currently insufficient to determine the role of this variant in disease. Therefore, it has been classified as a Variant of Uncertain Significance. Algorithms developed to predict the effect of missense changes on protein structure and function (SIFT, PolyPhen-2, Align-GVGD) all suggest that this variant is likely to be disruptive. ClinVar contains an entry for this variant (Variation ID: 1008205). This variant has not been reported in the literature in individuals affected with RB1-related conditions. This sequence change replaces arginine, which is basic and polar, with lysine, which is basic and polar, at codon 418 of the RB1 protein (p.Arg418Lys).

NM_000321.3(RB1):c.1253G>A (p.Arg418Lys)

Gene: RB1 (RB transcriptional corepressor 1; plus strand). Cytogenetic location: 13q14.2.
Variant type: single nucleotide variant.
Coding change: c.1253G>A on transcript NM_000321.3 (MANE Select); coding-DNA position 1253, G replaced by A.
Protein change: p.Arg418Lys; replaces arginine 418 with lysine.
Molecular consequence: missense variant.
Genome position (GRCh38, 1-based): chr13:48,376,955, G>A. VCF-style: chr13-48376955-G-A. GRCh37 (hg19) VCF-style: chr13-48951091-G-A.
Other names: short protein forms R418K.
Identifiers: ClinVar variation 1008205 (VCV001008205.12), dbSNP rs1952831579, ClinGen allele CA388162014.